The following is an entry in ClinVar:

NM_012434.5(SLC17A5):c.653G>A (p.Gly218Glu)

Gene: SLC17A5 (solute carrier family 17 member 5; minus strand). Cytogenetic location: 6q13.
Variant type: single nucleotide variant.
Coding change: c.653G>A on transcript NM_012434.5 (MANE Select); coding-DNA position 653, G replaced by A.
Protein change: p.Gly218Glu; replaces glycine 218 with glutamic acid.
Molecular consequence: missense variant. On other transcripts: intron variant (2).
Genome position (GRCh38, 1-based): chr6:73,636,668, C>T on the plus strand (G>A on the coding strand, the complement: SLC17A5 is on the minus strand). VCF-style: chr6-73636668-C-T. GRCh37 (hg19) VCF-style: chr6-74346391-C-T.
Other names: c.422G>A, p.Gly141Glu (NM_001382629.1); c.653G>A, p.Gly218Glu (NM_001382630.1, NM_001382633.1, NM_001382634.1); c.674G>A, p.Gly225Glu (NM_001382631.1); c.650G>A, p.Gly217Glu (NM_001382635.1); c.383-1168G>A (NM_001382636.1); c.614-1168G>A (NM_001382632.1); short protein forms G141E, G217E, G218E, G225E.
Identifiers: ClinVar variation 3776614 (VCV003776614.1).

ClinVar aggregate classification (germline): Uncertain significance (1 of 4 stars; one submission).

gnomAD v4.1: 1 of 1,611,834 alleles (0.000062%); highest among the groups gnomAD compares: East Asian, 0.0022%; no homozygotes.

Submission:

GeneDx
Classification: Uncertain significance. Last evaluated: 2024-10-02. Review status: criteria provided, single submitter. Criteria: GeneDx Variant Classification Process June 2021. Collection method: clinical testing. Allele origin: germline. Affected: yes.
Comment: Not observed at significant frequency in large population cohorts (gnomAD); In silico analysis supports that this missense variant has a deleterious effect on protein structure/function; Has not been previously published as pathogenic or benign to our knowledge